The following is an entry in ClinVar:

NM_000821.7(GGCX):c.1875G>A (p.Val625=)

Gene: GGCX (gamma-glutamyl carboxylase; minus strand). Cytogenetic location: 2p11.2.
Variant type: single nucleotide variant.
Coding change: c.1875G>A on transcript NM_000821.7 (MANE Select); coding-DNA position 1875, G replaced by A.
Protein change: p.Val625=; no amino-acid change (valine 625 retained).
Molecular consequence: synonymous variant.
Genome position (GRCh38, 1-based): chr2:85,550,938, C>T on the plus strand (G>A on the coding strand, the complement: GGCX is on the minus strand). VCF-style: chr2-85550938-C-T. GRCh37 (hg19) VCF-style: chr2-85778061-C-T.
Other names: c.1704G>A, p.Val568= (NM_001142269.4).
Identifiers: ClinVar variation 1910170 (VCV001910170.4), dbSNP rs752303148, ClinGen allele CA1741710.

ClinVar aggregate classification (germline): Uncertain significance (1 of 4 stars; one submission).

Allele frequency attached by ClinVar (database versions not stated): ExAC 0.00001.
gnomAD v4.1: 2 of 1,614,176 alleles (0.00012%); highest among the groups gnomAD compares: Middle Eastern, 0.016%; no homozygotes.

Submission:

Labcorp Genetics (formerly Invitae), Labcorp
Classification: Uncertain significance. Last evaluated: 2022-04-12. Review status: criteria provided, single submitter. Criteria: Invitae Variant Classification Sherloc (09022015). Collection method: clinical testing. Allele origin: germline.
Comment: In summary, the available evidence is currently insufficient to determine the role of this variant in disease. Therefore, it has been classified as a Variant of Uncertain Significance. Algorithms developed to predict the effect of sequence changes on RNA splicing suggest that this variant may create or strengthen a splice site. This variant has not been reported in the literature in individuals affected with GGCX-related conditions. This variant is present in population databases (rs752303148, gnomAD 0.0009%). This sequence change affects codon 625 of the GGCX mRNA. It is a 'silent' change, meaning that it does not change the encoded amino acid sequence of the GGCX protein.